The following is an entry in ClinVar:

NM_006073.4(TRDN):c.1932A>G (p.Gln644=)

Gene: TRDN (triadin; minus strand). Cytogenetic location: 6q22.31.
Variant type: single nucleotide variant.
Coding change: c.1932A>G on transcript NM_006073.4 (MANE Select); coding-DNA position 1932, A replaced by G.
Protein change: p.Gln644=; no amino-acid change (glutamine 644 retained).
Molecular consequence: synonymous variant.
Genome position (GRCh38, 1-based): chr6:123,255,100, T>C on the plus strand (A>G on the coding strand, the complement: TRDN is on the minus strand). VCF-style: chr6-123255100-T-C. GRCh37 (hg19) VCF-style: chr6-123576245-T-C.
Other names: p.Gln644=.
Identifiers: ClinVar variation 463673 (VCV000463673.13), dbSNP rs976397587, ClinGen allele CA147226964.

ClinVar aggregate classification (germline): Likely benign. Review status: criteria provided, multiple submitters, no conflicts (2 of 4 stars). 3 submissions from 3 submitters: Likely benign (3). Last evaluated 2026-01-06.

Conditions:
Cardiovascular phenotype. Identifiers: MedGen CN230736.
Catecholaminergic polymorphic ventricular tachycardia 1. Also called: VENTRICULAR TACHYCARDIA, STRESS-INDUCED POLYMORPHIC 1; VENTRICULAR TACHYCARDIA, CATECHOLAMINERGIC POLYMORPHIC, 1, WITH OR WITHOUT ATRIAL DYSFUNCTION AND/OR DILATED CARDIOMYOPATHY; RYR2-Related Catecholaminergic Polymorphic Ventricular Tachycardia. Identifiers: Orphanet 3286, MedGen C1631597, MONDO:0011484, OMIM 604772.

Allele frequency attached by ClinVar (database versions not stated): gnomAD exomes 0.00001; gnomAD 0.00004; TOPMed 0.00004.
gnomAD v4.1: 17 of 1,377,238 alleles (0.0012%); highest among the groups gnomAD compares: African/African-American, 0.013%; no homozygotes.

Submissions (3):

Labcorp Genetics (formerly Invitae), Labcorp
Classification: Likely benign for Catecholaminergic polymorphic ventricular tachycardia 1. Last evaluated: 2026-01-06. Review status: criteria provided, single submitter. Criteria: Invitae Variant Classification Sherloc (09022015). Collection method: clinical testing. Allele origin: germline.

Mayo Clinic Laboratories, Mayo Clinic
Classification: Likely benign. Last evaluated: 2025-09-17. Review status: criteria provided, single submitter. Criteria: ACMG Guidelines, 2015. Collection method: clinical testing. Allele origin: germline. Observed: 2 variant alleles.
Comment: BP4, BP7

Ambry Genetics
Classification: Likely benign for Cardiovascular phenotype. Last evaluated: 2019-05-06. Review status: criteria provided, single submitter. Criteria: Ambry Variant Classification Scheme 2023. Collection method: clinical testing. Allele origin: germline.